The following is an entry in ClinVar:

ClinVar aggregate classification (germline): Pathogenic. Review status: criteria provided, multiple submitters, no conflicts (2 of 4 stars). 3 submissions from 3 submitters: Pathogenic (2). 1 of the submissions does not count toward it. Last evaluated 2024-10-01.

Conditions:
Retinal dystrophy. Also called: Inherited retinal dystrophy. Identifiers: Orphanet 71862, MedGen C0854723, MeSH D058499, MONDO:0019118, HP:0000556.
Usher syndrome type 2C. Also called: Usher syndrome, type 2B; USHER SYNDROME, TYPE IIC. Identifiers: Orphanet 231178, Orphanet 886, MedGen C2931213, MONDO:0011558, OMIM 605472.

Submissions (3):

GeneDx
Classification: Pathogenic. Last evaluated: 2024-10-01. Review status: criteria provided, single submitter. Criteria: GeneDx Variant Classification Process June 2021. Collection method: clinical testing. Allele origin: germline. Affected: yes.
Comment: Frameshift variant predicted to result in protein truncation or nonsense mediated decay in a gene for which loss of function is a known mechanism of disease; Not observed at significant frequency in large population cohorts (gnomAD); This variant is associated with the following publications: (PMID: 19357117, 21569298)

Institute of Human Genetics, Univ. Regensburg, Univ. Regensburg
Classification: Pathogenic for Retinal dystrophy. Last evaluated: 2018-01-01. Review status: criteria provided, single submitter. Criteria: ACMG Guidelines, 2015. Collection method: clinical testing. Allele origin: germline. Affected: yes.

OMIM
Classification: Pathogenic for USHER SYNDROME, TYPE IIC. Last evaluated: 2009-04-01. Review status: no assertion criteria provided. Collection method: literature only. Allele origin: germline. Not counted in ClinVar's aggregate classification.

Literature cited by the submitters: PubMed 19357117 (cited by Institute of Human Genetics, Univ. Regensburg, Univ. Regensburg and OMIM).

NM_032119.4(ADGRV1):c.2258_2270del (p.Gln753fs)

Gene: ADGRV1 (adhesion G protein-coupled receptor V1; plus strand). Cytogenetic location: 5q14.3.
Variant type: Deletion.
Coding change: c.2258_2270del on transcript NM_032119.4 (MANE Select); coding-DNA positions 2258 to 2270, 13 bases deleted (AAGTGCTGAAATC).
Protein change: p.Gln753fs; shifts the reading frame from glutamine 753.
Molecular consequence: frameshift variant. On other transcripts: non-coding transcript variant (1).
Genome position (GRCh38, 1-based): chr5:90,642,653-90,642,665, AAGTGCTGAAATC deleted; deleting any 13 consecutive bases within chr5:90,642,652-90,642,665 gives the same sequence; the c. name uses the placement nearest the transcript's 3' end. VCF-style (leftmost placement, unchanged base first): chr5-90642651-CCAAGTGCTGAAAT-C. GRCh37 (hg19) VCF-style: chr5-89938468-CCAAGTGCTGAAAT-C.
Other names: ADGRV1, 13-BP DEL, NT2258; short protein forms Q753fs.
Identifiers: ClinVar variation 6804 (VCV000006804.4), dbSNP rs796051866, ClinGen allele CA253963.
Genomic context (GRCh38, chr5:90,642,651, plus strand): 5'-AAAACTGGAAGTAGCGGGTGCCATTTGTCTCTCTGACTTCTCTAGGGTTAACGTGGAAAA[CCAAGTGCTGAAAT>C]CTGGATATACTAGCCGTGACCTAATTATTTTGGAAAATGATGACCCTGGGGGAGTTTTTG-3'